The following is an entry in ClinVar:

NM_030962.4(SBF2):c.705T>C (p.Ser235=)

Gene: SBF2 (SET binding factor 2; minus strand). Cytogenetic location: 11p15.4.
Variant type: single nucleotide variant.
Coding change: c.705T>C on transcript NM_030962.4 (MANE Select); coding-DNA position 705, T replaced by C.
Protein change: p.Ser235=; no amino-acid change (serine 235 retained).
Molecular consequence: synonymous variant.
Genome position (GRCh38, 1-based): chr11:10,002,604, A>G on the plus strand (T>C on the coding strand, the complement: SBF2 is on the minus strand). VCF-style: chr11-10002604-A-G. GRCh37 (hg19) VCF-style: chr11-10024151-A-G.
Other names: c.705T>C, p.Ser235= (NM_001386339.1, NM_001386342.1).
Identifiers: ClinVar variation 301871 (VCV000301871.19), dbSNP rs143209062, ClinGen allele CA5882040.

ClinVar aggregate classification (germline): Conflicting classifications of pathogenicity. Review status: criteria provided, conflicting classifications (1 of 4 stars). 6 submissions from 6 submitters: Uncertain significance (1); Benign (1); Likely benign (4). Last evaluated 2026-01-27.

Conditions:
Inborn genetic diseases. Identifiers: MedGen C0950123, MeSH D030342.
Charcot-Marie-Tooth disease type 4. Also called: Charcot-Marie-Tooth disease, type IV; Charcot-Marie-Tooth, Type 4. Identifiers: Orphanet 64749, MedGen C4082197, MONDO:0018995.
Charcot-Marie-Tooth disease type 4B2. Also called: CHARCOT-MARIE-TOOTH DISEASE, DEMYELINATING, TYPE 4B2; CHARCOT-MARIE-TOOTH DISEASE, WITH FOCALLY FOLDED MYELIN SHEATHS, AUTOSOMAL RECESSIVE, TYPE 4B2; CMT 4B2; Charcot-Marie-Tooth Neuropathy Type 4B2. Identifiers: Orphanet 99956, MedGen C1858278, MONDO:0011475, OMIM 604563.
Charcot-Marie-Tooth disease. Also called: Charcot-Marie-Tooth Neuropathy; Charcot-Marie-Tooth Hereditary Neuropathy. Identifiers: Orphanet 166, MedGen C0007959, MONDO:0015626.

Allele frequency attached by ClinVar (database versions not stated): gnomAD exomes 0.00023 and 0.00044; ESP Exome Variant Server 0.00031; gnomAD 0.00032 and 0.00033; ExAC 0.00033; TOPMed 0.00036.
gnomAD v4.1: 436 of 1,612,898 alleles (0.027%); highest among the groups gnomAD compares: Middle Eastern, 0.033%; 2 homozygotes.

Submissions (6):

Labcorp Genetics (formerly Invitae), Labcorp
Classification: Likely benign for Charcot-Marie-Tooth disease type 4. Last evaluated: 2026-01-27. Review status: criteria provided, single submitter. Criteria: Invitae Variant Classification Sherloc (09022015). Collection method: clinical testing. Allele origin: germline.

Blueprint Genetics
Classification: Likely benign. Last evaluated: 2024-11-27. Review status: criteria provided, single submitter. Criteria: ACMG Guidelines, 2015. Collection method: clinical testing. Allele origin: germline.

Ambry Genetics
Classification: Likely benign for Inborn genetic diseases. Last evaluated: 2019-07-11. Review status: criteria provided, single submitter. Criteria: Ambry Variant Classification Scheme 2023. Collection method: clinical testing. Allele origin: germline.

Illumina Laboratory Services, Illumina
Classification: Uncertain significance for Charcot-Marie-Tooth disease type 4B2. Last evaluated: 2018-01-12. Review status: criteria provided, single submitter. Criteria: ICSL Variant Classification Criteria 13 December 2019. Collection method: clinical testing. Allele origin: germline.

GeneDx
Classification: Benign. Last evaluated: 2015-03-20. Review status: criteria provided, single submitter. Criteria: GeneDx Variant Classification (06012015). Collection method: clinical testing. Allele origin: germline. Affected: yes.
Comment: This variant is considered likely benign or benign based on one or more of the following criteria: it is a conservative change, it occurs at a poorly conserved position in the protein, it is predicted to be benign by multiple in silico algorithms, and/or has population frequency not consistent with disease.

Molecular Genetics Laboratory, London Health Sciences Centre
Classification: Likely benign for Charcot-Marie-Tooth disease. Review status: criteria provided, single submitter. Criteria: ACMG Guidelines, 2015. Collection method: clinical testing. Allele origin: germline. Affected: yes.